The following is an entry in ClinVar:

NM_001122681.2(SH3BP2):c.*2510A>G

Gene: SH3BP2 (SH3 domain binding protein 2; plus strand). Cytogenetic location: 4p16.3.
Variant type: single nucleotide variant.
Coding change: c.*2510A>G on transcript NM_001122681.2 (MANE Select); 2510 bases downstream of the stop codon, A replaced by G.
Molecular consequence: 3 prime UTR variant.
Genome position (GRCh38, 1-based): chr4:2,836,344, A>G. VCF-style: chr4-2836344-A-G. GRCh37 (hg19) VCF-style: chr4-2838071-A-G.
Other names: c.*2510A>G (LRG_1334t2, LRG_1334t1, NM_001145855.2 and 2 more transcripts).
Identifiers: ClinVar variation 348636 (VCV000348636.5), dbSNP rs74805026, ClinGen allele CA10618642.

ClinVar aggregate classification (germline): Benign (1 of 4 stars; one submission).

Conditions:
Fibrous dysplasia of jaw (CRBM). Also called: Cherubism. Identifiers: Orphanet 184, MedGen C0008029, MONDO:0007315, OMIM 118400.

Allele frequency attached by ClinVar (database versions not stated): 1000 Genomes Project 0.00679; 1000 Genomes Project 30x 0.00687; TOPMed 0.01196; gnomAD 0.01468 and 0.01513; gnomAD exomes 0.03704.
gnomAD v4.1: 2,218 of 152,368 alleles (1.5%); highest among the groups gnomAD compares: Non-Finnish European, 2.3%; 28 homozygotes.

Submission:

Illumina Laboratory Services, Illumina
Classification: Benign for Fibrous dysplasia of jaw. Last evaluated: 2018-01-12. Review status: criteria provided, single submitter. Criteria: ICSL Variant Classification Criteria 13 December 2019. Collection method: clinical testing. Allele origin: germline.
Comment: This variant was observed in the ICSL laboratory as part of a predisposition screen in an ostensibly healthy population. It had not been previously curated by ICSL or reported in the Human Gene Mutation Database (HGMD: prior to June 1st, 2018), and was therefore a candidate for classification through an automated scoring system. Utilizing variant allele frequency, disease prevalence and penetrance estimates, and inheritance mode, an automated score was calculated to assess if this variant is too frequent to cause the disease. Based on the score and internal cut-off values, a variant classified as benign is not then subjected to further curation. The score for this variant resulted in a classification of benign for this disease.